The following is an entry in ClinVar:

ClinVar aggregate classification (germline): Pathogenic (1 of 4 stars; one submission).

Submission:

GeneDx
Classification: Pathogenic. Last evaluated: 2016-11-22. Review status: criteria provided, single submitter. Criteria: GeneDx Variant Classification (06012015). Collection method: clinical testing. Allele origin: germline. Affected: yes.
Comment: The c.134_138+1delTGAGAGinsC splice site variant in the TSC2 gene destroys the canonical splice donor site in intron 2. It is predicted to cause abnormal gene splicing, either leading to an abnormal message that is subject to nonsense-mediated mRNA decay, or to an abnormal protein product if the message is used for protein translation. It was not observed in approximately 6,500 individuals of European and African American ancestry in the NHLBI Exome Sequencing Project, indicating it is not a common benign variant in these populations.

NM_000548.5(TSC2):c.134_138+1delinsC

Gene: TSC2 (TSC complex subunit 2; plus strand). Cytogenetic location: 16p13.3.
Variant type: Indel.
Coding change: c.134_138+1delinsC on transcript NM_000548.5 (MANE Select); coding-DNA position 134 through the canonical splice donor site of the intron after coding-DNA position 138, TGAGAG replaced by C.
Molecular consequence: splice donor variant. On other transcripts: intron variant (1).
Genome position (GRCh38, 1-based): chr16:2,048,749-2,048,754, TGAGAG replaced by C. VCF-style: chr16-2048749-TGAGAG-C. GRCh37 (hg19) VCF-style: chr16-2098750-TGAGAG-C.
Other names: c.134_138+1delinsC (NM_001114382.3, NM_021055.3, NM_001370405.1 and 4 more transcripts); c.-93_-89+1delinsC (NM_001318831.2); c.-10+684_-10+689delinsC (NM_001318829.2); c.167_171+1delinsC (NM_001318832.2).
Identifiers: ClinVar variation 373664 (VCV000373664.2), dbSNP rs1057518535, ClinGen allele CA16042978.